The following is an entry in ClinVar:

NM_006063.3(KLHL41):c.176G>A (p.Arg59His)

Gene: KLHL41 (kelch like family member 41; plus strand). Cytogenetic location: 2q31.1.
Variant type: single nucleotide variant.
Coding change: c.176G>A on transcript NM_006063.3 (MANE Select); coding-DNA position 176, G replaced by A.
Protein change: p.Arg59His; replaces arginine 59 with histidine.
Molecular consequence: missense variant.
Genome position (GRCh38, 1-based): chr2:169,509,954, G>A. VCF-style: chr2-169509954-G-A. GRCh37 (hg19) VCF-style: chr2-170366464-G-A.
Other names: c.176G>A (NM_006063.2); short protein forms R59H.
Identifiers: ClinVar variation 1420685 (VCV001420685.6), dbSNP rs759521852, ClinGen allele CA1956458.

ClinVar aggregate classification (germline): Uncertain significance. Review status: criteria provided, multiple submitters, no conflicts (2 of 4 stars). 2 submissions from 2 submitters: Uncertain significance (2). Last evaluated 2024-03-12.

Conditions:
Inborn genetic diseases. Identifiers: MedGen C0950123, MeSH D030342.
Nemaline myopathy 9 (NEM9). Identifiers: MedGen C3810384, MONDO:0014326, OMIM 615731.

Allele frequency attached by ClinVar (database versions not stated): gnomAD exomes below 0.00001 and 0.00001; TOPMed below 0.00001; gnomAD 0.00001; ExAC 0.00002.

Submissions (2):

Ambry Genetics
Classification: Uncertain significance for Inborn genetic diseases. Last evaluated: 2024-03-12. Review status: criteria provided, single submitter. Criteria: Ambry Variant Classification Scheme 2023. Collection method: clinical testing. Allele origin: germline.

Labcorp Genetics (formerly Invitae), Labcorp
Classification: Uncertain significance for Nemaline myopathy 9. Last evaluated: 2022-03-22. Review status: criteria provided, single submitter. Criteria: Invitae Variant Classification Sherloc (09022015). Collection method: clinical testing. Allele origin: germline.
Comment: This sequence change replaces arginine, which is basic and polar, with histidine, which is basic and polar, at codon 59 of the KLHL41 protein (p.Arg59His). This variant is present in population databases (rs759521852, gnomAD 0.005%). This variant has not been reported in the literature in individuals affected with KLHL41-related conditions. Algorithms developed to predict the effect of missense changes on protein structure and function (SIFT, PolyPhen-2, Align-GVGD) all suggest that this variant is likely to be disruptive. In summary, the available evidence is currently insufficient to determine the role of this variant in disease. Therefore, it has been classified as a Variant of Uncertain Significance.